The following is an entry in ClinVar:

NM_000088.4(COL1A1):c.697-2A>C

Genes: COL1A1 (collagen type I alpha 1 chain; minus strand), LOC126862586 (CDK7 strongly-dependent group 2 enhancer GRCh37_chr17:48273702-48274901; plus strand). Cytogenetic location: 17q21.33.
Variant type: single nucleotide variant.
Coding change: c.697-2A>C on transcript NM_000088.4 (MANE Select); the canonical splice acceptor site of the intron before coding-DNA position 697, A replaced by C.
Molecular consequence: splice acceptor variant.
Genome position (GRCh38, 1-based): chr17:50,197,235, T>G on the plus strand (A>C on the coding strand, the complement: COL1A1 is on the minus strand). VCF-style: chr17-50197235-T-G. GRCh37 (hg19) VCF-style: chr17-48274596-T-G.
Identifiers: ClinVar variation 1804924 (VCV001804924.1), dbSNP rs67047253, ClinGen allele CA400224351.

ClinVar aggregate classification (germline): Pathogenic (1 of 4 stars; one submission).

Conditions:
Osteogenesis imperfecta type I (OI1). Also called: OI, TYPE I; OSTEOGENESIS IMPERFECTA TARDA; OSTEOGENESIS IMPERFECTA WITH BLUE SCLERAE; Lobstein's Disease; Classic Non-deforming Osteogenesis Imperfecta with Blue Sclerae; Lobstein disease. Identifiers: Orphanet 216796, Orphanet 666, MedGen C0023931, MONDO:0008146, OMIM 166200. Disease mechanism: loss of function.

Submission:

Victorian Clinical Genetics Services, Murdoch Childrens Research Institute
Classification: Pathogenic for Osteogenesis imperfecta type I. Last evaluated: 2021-05-06. Review status: criteria provided, single submitter. Criteria: ACMG Guidelines, 2015. Collection method: clinical testing. Allele origin: germline. Inheritance: Autosomal dominant inheritance.
Comment: Based on the classification scheme VCGS_Germline_v1.3.4, this variant is classified as Pathogenic. Following criteria are met: 0103 - Dominant negative and loss of function are known mechanisms of disease in this gene and are associated with osteogenesis imperfecta types I-IV, and other conditions (OMIM). Variants resulting in a truncated protein are known to have a loss of function effect on protein, while missense variants affecting the G-X-Y triple helix motif have a dominant negative effect (PMID: 27509835, PMID: 12362985). (I) 0107 - This gene is associated with autosomal dominant disease. (I) 0211 - Canonical splice site variant without proven consequence on splicing (no functional evidence available). (SP) 0251 - This variant is heterozygous. (I) 0301 - Variant is absent from gnomAD (both v2 and v3). (SP) 0505 - Abnormal splicing is predicted by in silico tools and affected nucleotide is highly conserved. (SP) 0701 - Other splice variants comparable to the one identified in this case have very strong previous evidence for pathogenicity. These variants (c.697-1G>A, c.697-1G>C, c.697-2A>G, c.697-2A>T, c.697-2delA, c.697-2_697-1del) have been reported many times as pathogenic, and have been observed in multiple individuals with osteogenesis imperfecta type I or type IV (ClinVar, PMID: 25983617, PMID: 31218168, PMID: 25963598). (SP) 0807 - This variant has no previous evidence of pathogenicity. (I) 0905 - No published segregation evidence has been identified for this variant. (I) 1007 - No published functional evidence has been identified for this variant. (I) 1208 - Inheritance information for this variant is not currently available in this individual. (I) Legend: (SP) - Supporting pathogenic, (I) - Information, (SB) - Supporting benign

Literature cited by the submitters: PubMed 12362985; PubMed 25963598; PubMed 25983617; PubMed 27509835; PubMed 31218168.